The following is an entry in ClinVar:

ClinVar aggregate classification (germline): Uncertain significance (1 of 4 stars; one submission).

Conditions:
Encephalopathy, acute, infection-induced (herpes-specific), susceptibility to, 1. Also called: Herpes simplex encephalitis, susceptibility to, 1. Identifiers: Orphanet 1930, MedGen C2750180, MONDO:0024563, OMIM 610551.

Submission:

Labcorp Genetics (formerly Invitae), Labcorp
Classification: Uncertain significance for Encephalopathy, acute, infection-induced (herpes-specific), susceptibility to, 1. Last evaluated: 2019-10-29. Review status: criteria provided, single submitter. Criteria: Invitae Variant Classification Sherloc (09022015). Collection method: clinical testing. Allele origin: germline.
Comment: The frequency data for this variant in the population databases is considered unreliable, as metrics indicate insufficient coverage at this position in the ExAC database. In summary, the available evidence is currently insufficient to determine the role of this variant in disease. Therefore, it has been classified as a Variant of Uncertain Significance. Experimental studies and prediction algorithms are not available or were not evaluated, and the functional significance of this variant is currently unknown. This variant has not been reported in the literature in individuals with UNC93B1-related conditions. This variant, c.1632_1634del, results in the deletion of 1 amino acid(s) of the UNC93B1 protein (p.Glu544del), but otherwise preserves the integrity of the reading frame.

NM_030930.4(UNC93B1):c.1626GGA[2] (p.Glu544del)

Gene: UNC93B1 (unc-93B1 regulator of TLR signaling; minus strand). Cytogenetic location: 11q13.2.
Variant type: Microsatellite.
Coding change: c.1626GGA[2] on transcript NM_030930.4 (MANE Select); two copies in a row of the 3-base unit GGA starting at c.1626; the reference has three copies in a row; one copy, 3 bases deleted.
Protein change: p.Glu544del; deletes glutamic acid 544.
Molecular consequence: inframe deletion.
Genome position (GRCh38, 1-based): chr11:67,991,706-67,991,708, TCC deleted on the plus strand (GGA on the coding strand, the reverse complement: UNC93B1 is on the minus strand); deleting any 3 consecutive bases within chr11:67,991,706-67,991,714 gives the same sequence; the position shown is the placement nearest the transcript's 3' end. VCF-style (leftmost placement, unchanged base first): chr11-67991705-GTCC-G. GRCh37 (hg19) VCF-style: chr11-67759176-GTCC-G.
Other names: short protein forms E544del.
Identifiers: ClinVar variation 958169 (VCV000958169.8), dbSNP rs1269321676, ClinGen allele CA600238076.